The following is an entry in ClinVar:

NM_004329.3(BMPR1A):c.244del (p.Cys82fs)

Gene: BMPR1A (bone morphogenetic protein receptor type 1A; plus strand). Cytogenetic location: 10q23.2.
Variant type: Deletion.
Coding change: c.244del on transcript NM_004329.3 (MANE Select); coding-DNA position 244, one base deleted (T; older notation c.244delT).
Protein change: p.Cys82fs; shifts the reading frame from cysteine 82.
Molecular consequence: frameshift variant.
Genome position (GRCh38, 1-based): chr10:86,892,140, T deleted; the last of 2 consecutive T bases (chr10:86,892,139-86,892,140); deleting either gives the same sequence. VCF-style (leftmost placement, unchanged base first): chr10-86892138-AT-A. GRCh37 (hg19) VCF-style: chr10-88651895-AT-A.
Other names: c.244delT (NM_004329.2); short protein forms C82fs.
Identifiers: ClinVar variation 661530 (VCV000661530.8), dbSNP rs1589764273, ClinGen allele CA915947535.

ClinVar aggregate classification (germline): Pathogenic (1 of 4 stars; one submission).

Conditions:
Juvenile polyposis syndrome (JPS). Identifiers: Orphanet 2929, MedGen C0345893, MONDO:0017380, OMIM 174900.

Submission:

Labcorp Genetics (formerly Invitae), Labcorp
Classification: Pathogenic for Juvenile polyposis syndrome. Last evaluated: 2018-07-03. Review status: criteria provided, single submitter. Criteria: Invitae Variant Classification Sherloc (09022015). Collection method: clinical testing. Allele origin: germline.
Comment: For these reasons, this variant has been classified as Pathogenic. Loss-of-function variants in BMPR1A are known to be pathogenic (PMID: 11536076, 12417513). This variant has not been reported in the literature in individuals with BMPR1A-related disease. This variant is not present in population databases (ExAC no frequency). This sequence change creates a premature translational stop signal (p.Cys82Alafs*5) in the BMPR1A gene. It is expected to result in an absent or disrupted protein product.

Literature cited by the submitters: PubMed 11536076; PubMed 12417513.